The following is an entry in ClinVar:

NM_001372.4(DNAH9):c.2474T>C (p.Ile825Thr)

Gene: DNAH9 (dynein axonemal heavy chain 9; plus strand). Cytogenetic location: 17p12.
Variant type: single nucleotide variant.
Coding change: c.2474T>C on transcript NM_001372.4 (MANE Select); coding-DNA position 2474, T replaced by C.
Protein change: p.Ile825Thr; replaces isoleucine 825 with threonine.
Molecular consequence: missense variant.
Genome position (GRCh38, 1-based): chr17:11,652,881, T>C. VCF-style: chr17-11652881-T-C. GRCh37 (hg19) VCF-style: chr17-11556198-T-C.
Other names: short protein forms I825T.
Identifiers: ClinVar variation 4996057 (VCV004996057.1).

ClinVar aggregate classification (germline): Uncertain significance (1 of 4 stars; one submission).

Conditions:
DNAH9-related disorder. Also called: DNAH9-related condition.

Submission:

PreventionGenetics, part of Exact Sciences
Classification: Uncertain significance for DNAH9-related condition. Last evaluated: 2026-05-04. Review status: criteria provided, single submitter. Criteria: ACMG Guidelines, 2015. Collection method: clinical testing. Allele origin: germline.
Comment: The DNAH9 c.2474T>C variant is predicted to result in the amino acid substitution p.Ile825Thr. To our knowledge, this variant has not been reported in the literature or in a large population database (gnomAD), indicating this variant is rare. At this time, the clinical significance of this variant is uncertain due to the absence of conclusive functional and genetic evidence.